The following is an entry in ClinVar:

ClinVar aggregate classification (germline): Uncertain significance (1 of 4 stars; one submission).

Conditions:
Autosomal dominant limb-girdle muscular dystrophy type 1G (LGMDD3). Also called: Limb-girdle muscular dystrophy, type 1G; MUSCULAR DYSTROPHY, LIMB-GIRDLE, AUTOSOMAL DOMINANT 3. Identifiers: Orphanet 55596, MedGen C1836765, MONDO:0012193, OMIM 609115.

Submission:

Labcorp Genetics (formerly Invitae), Labcorp
Classification: Uncertain significance for Autosomal dominant limb-girdle muscular dystrophy type 1G. Last evaluated: 2022-07-06. Review status: criteria provided, single submitter. Criteria: Invitae Variant Classification Sherloc (09022015). Collection method: clinical testing. Allele origin: germline.
Comment: A gross deletion of the genomic region encompassing the full coding sequence of the HNRNPDL gene has been identified. The current clinical and genetic evidence is not sufficient to establish whether loss-of-function variants in HNRNPDL cause disease. The boundaries of this event are unknown as they extend beyond the assayed region for this gene and therefore may encompass additional genes. A similar copy number variant has been observed in individual(s) with clinical features of HNRNPDL-related conditions (PMID: 33131168). In summary, the available evidence is currently insufficient to determine the role of this variant in disease. Therefore, it has been classified as a Variant of Uncertain Significance.

Literature cited by the submitters: PubMed 33131168.

NC_000004.11:g.(?_83347212)_(83350843_?)del

Gene: HNRNPDL (heterogeneous nuclear ribonucleoprotein D like; minus strand). Cytogenetic location: 4q21.22.
Variant type: Deletion.
Identifiers: ClinVar variation 2426968 (VCV002426968.5).